The following is an entry in ClinVar:

NM_006245.4(PPP2R5D):c.726+4A>T

Gene: PPP2R5D (protein phosphatase 2 regulatory subunit B'delta; plus strand). Cytogenetic location: 6p21.1.
Variant type: single nucleotide variant.
Coding change: c.726+4A>T on transcript NM_006245.4 (MANE Select); 4 bases into the intron after coding-DNA position 726, A replaced by T.
Molecular consequence: intron variant.
Genome position (GRCh38, 1-based): chr6:43,007,510, A>T. VCF-style: chr6-43007510-A-T. GRCh37 (hg19) VCF-style: chr6-42975248-A-T.
Other names: c.273+4A>T (NM_001270476.2); c.630+4A>T (NM_180976.3); c.408+4A>T (NM_180977.3).
Identifiers: ClinVar variation 4727932 (VCV004727932.1).

ClinVar aggregate classification (germline): Uncertain significance (1 of 4 stars; one submission).

Submission:

Labcorp Genetics (formerly Invitae), Labcorp
Classification: Uncertain significance. Last evaluated: 2025-09-27. Review status: criteria provided, single submitter. Criteria: Invitae Variant Classification Sherloc (09022015). Collection method: clinical testing. Allele origin: germline.
Comment: This sequence change falls in intron 6 of the PPP2R5D gene. It does not directly change the encoded amino acid sequence of the PPP2R5D protein. It affects a nucleotide within the consensus splice site. This variant is not present in population databases (gnomAD no frequency). This variant has not been reported in the literature in individuals affected with PPP2R5D-related conditions. Variants that disrupt the consensus splice site are a relatively common cause of aberrant splicing (PMID: 17576681, 9536098). Algorithms developed to predict the effect of sequence changes on RNA splicing suggest that this variant may disrupt the consensus splice site. In summary, the available evidence is currently insufficient to determine the role of this variant in disease. Therefore, it has been classified as a Variant of Uncertain Significance.

Literature cited by the submitters: PubMed 17576681; PubMed 9536098.